The following is an entry in ClinVar:

NM_016507.4(CDK12):c.358C>G (p.Arg120Gly)

Genes: CDK12 (cyclin dependent kinase 12; plus strand), LOC126862553 (CDK7 strongly-dependent group 2 enhancer GRCh37_chr17:37618166-37619365; plus strand). Cytogenetic location: 17q12.
Variant type: single nucleotide variant.
Coding change: c.358C>G on transcript NM_016507.4 (MANE Select); coding-DNA position 358, C replaced by G.
Protein change: p.Arg120Gly; replaces arginine 120 with glycine.
Molecular consequence: missense variant.
Genome position (GRCh38, 1-based): chr17:39,462,429, C>G. VCF-style: chr17-39462429-C-G. GRCh37 (hg19) VCF-style: chr17-37618682-C-G.
Other names: c.358C>G, p.Arg120Gly (NM_015083.4); short protein forms R120G.
Identifiers: ClinVar variation 4868576 (VCV004868576.1).

ClinVar aggregate classification (germline): Uncertain significance (1 of 4 stars; one submission).

gnomAD v4.1: 3 of 1,613,914 alleles (0.00019%); highest among the groups gnomAD compares: African/African-American, 0.0013%; no homozygotes.

Submission:

Ambry Genetics
Classification: Uncertain significance. Last evaluated: 2026-06-08. Review status: criteria provided, single submitter. Criteria: Ambry Variant Classification Scheme 2023. Collection method: clinical testing. Allele origin: germline.
Comment: The p.R120G variant (also known as c.358C>G), located in coding exon 1 of the CDK12 gene, results from a C to G substitution at nucleotide position 358. The arginine at codon 120 is replaced by glycine, an amino acid with dissimilar properties. This amino acid position is conserved. In addition, this alteration is predicted to be tolerated by in silico analysis. Based on the available evidence, the clinical significance of this variant remains unclear.